The following is an entry in ClinVar:

ClinVar aggregate classification (germline): Likely pathogenic (1 of 4 stars; one submission).

Conditions:
Periventricular heterotopia with microcephaly, autosomal recessive (ARPHM). Also called: PERIVENTRICULAR NODULAR HETEROTOPIA 2; Periventricular heterotopia with microcephaly. Identifiers: Orphanet 2149, MedGen C1842563, MONDO:0011966, OMIM 608097.

Submission:

First Genomix Gene Laboratory, Genetic Diagnostics Department
Classification: Likely pathogenic for Periventricular heterotopia with microcephaly, autosomal recessive. Last evaluated: 2025-08-25. Review status: criteria provided, single submitter. Criteria: ACMG Guidelines, 2015. Collection method: clinical testing. Allele origin: germline. Inheritance: Autosomal recessive inheritance. Affected: no. Observed: 1 variant allele.

NM_006420.3(ARFGEF2):c.908-2A>G

Gene: ARFGEF2 (ARF guanine nucleotide exchange factor 2; plus strand). Cytogenetic location: 20q13.13.
Variant type: single nucleotide variant.
Coding change: c.908-2A>G on transcript NM_006420.3 (MANE Select); the canonical splice acceptor site of the intron before coding-DNA position 908, A replaced by G.
Molecular consequence: splice acceptor variant. On other transcripts: intron variant (1).
Genome position (GRCh38, 1-based): chr20:48,965,870, A>G. VCF-style: chr20-48965870-A-G. GRCh37 (hg19) VCF-style: chr20-47582407-A-G.
Other names: c.908-5A>G (NM_001410846.1).
Identifiers: ClinVar variation 4850484 (VCV004850484.1).